The following is an entry in ClinVar:

NM_183235.3(RAB27A):c.400A>G (p.Lys134Glu)

Gene: RAB27A (RAB27A, member RAS oncogene family; minus strand). Cytogenetic location: 15q21.3.
Variant type: single nucleotide variant.
Coding change: c.400A>G on transcript NM_183235.3 (MANE Select); coding-DNA position 400, A replaced by G.
Protein change: p.Lys134Glu; replaces lysine 134 with glutamic acid.
Molecular consequence: missense variant.
Genome position (GRCh38, 1-based): chr15:55,223,956, T>C on the plus strand (A>G on the coding strand, the complement: RAB27A is on the minus strand). VCF-style: chr15-55223956-T-C. GRCh37 (hg19) VCF-style: chr15-55516154-T-C.
Other names: c.400A>G, p.Lys134Glu (NM_004580.5, NM_183234.3, NM_183236.3); short protein forms K134E.
Identifiers: ClinVar variation 1690308 (VCV001690308.3), dbSNP rs2140958637, ClinGen allele CA392529726.

ClinVar aggregate classification (germline): Pathogenic. Review status: criteria provided, single submitter (1 of 4 stars). 2 submissions from 2 submitters: Pathogenic (1). 1 of the submissions does not count toward it. Last evaluated 2024-05-01.

Conditions:
Griscelli syndrome type 2 (GS2). Also called: GRISCELLI SYNDROME WITH HEMOPHAGOCYTIC SYNDROME; PAID SYNDROME; PARTIAL ALBINISM AND IMMUNODEFICIENCY SYNDROME. Identifiers: Orphanet 381, Orphanet 79477, MedGen C1868679, MONDO:0011872, OMIM 607624.

Submissions (2):

Labcorp Genetics (formerly Invitae), Labcorp
Classification: Pathogenic for Griscelli syndrome type 2. Last evaluated: 2024-05-01. Review status: criteria provided, single submitter. Criteria: Invitae Variant Classification Sherloc (09022015). Collection method: clinical testing. Allele origin: germline.
Comment: This sequence change replaces lysine, which is basic and polar, with glutamic acid, which is acidic and polar, at codon 134 of the RAB27A protein (p.Lys134Glu). This variant is not present in population databases (gnomAD no frequency). This missense change has been observed in individual(s) with Griscelli syndrome (PMID: 18403584). It has also been observed to segregate with disease in related individuals. ClinVar contains an entry for this variant (Variation ID: 1690308). Advanced modeling of protein sequence and biophysical properties (such as structural, functional, and spatial information, amino acid conservation, physicochemical variation, residue mobility, and thermodynamic stability) performed at Invitae indicates that this missense variant is expected to disrupt RAB27A protein function with a positive predictive value of 95%. For these reasons, this variant has been classified as Pathogenic.

OMIM
Classification: Pathogenic for GRISCELLI SYNDROME, TYPE 2. Last evaluated: 2022-06-01. Review status: no assertion criteria provided. Collection method: literature only. Allele origin: germline. Not counted in ClinVar's aggregate classification.

Literature cited by the submitters: PubMed 18403584 (cited by Labcorp Genetics (formerly Invitae), Labcorp and OMIM).